The following is an entry in ClinVar:

NM_177438.3(DICER1):c.574-5_574-4delinsA

Gene: DICER1 (dicer 1, ribonuclease III; minus strand). Cytogenetic location: 14q32.13.
Variant type: Indel.
Coding change: c.574-5_574-4delinsA on transcript NM_177438.3 (MANE Select); 5 bases into the intron before coding-DNA position 574 through 4 bases into the intron before coding-DNA position 574, GT replaced by A.
Molecular consequence: intron variant.
Genome position (GRCh38, 1-based): chr14:95,129,636-95,129,637, AC replaced by T on the plus strand (GT replaced by A on the coding strand, the reverse complement: DICER1 is on the minus strand). VCF-style: chr14-95129636-AC-T. GRCh37 (hg19) VCF-style: chr14-95595973-AC-T.
Other names: c.574-5_574-4delinsA (NM_001291628.2, NM_030621.4, NM_001271282.3 and 1 more transcripts).
Identifiers: ClinVar variation 825935 (VCV000825935.5), dbSNP rs1595457324, ClinGen allele CA915946424.

ClinVar aggregate classification (germline): Uncertain significance (1 of 4 stars; one submission).

Conditions:
Hereditary cancer-predisposing syndrome. Also called: Hereditary Cancer Syndrome; Tumor predisposition; Neoplastic Syndromes, Hereditary; Hereditary neoplastic syndrome. Identifiers: Orphanet 140162, MedGen C0027672, MeSH D009386, MONDO:0015356.

Submission:

Ambry Genetics
Classification: Uncertain significance for Hereditary cancer-predisposing syndrome. Last evaluated: 2026-02-17. Review status: criteria provided, single submitter. Criteria: Ambry Variant Classification Scheme 2023. Collection method: clinical testing. Allele origin: germline.
Comment: The c.574-5_574-4delGTinsA intronic variant, located in intron 4 of the DICER1 gene, results from the deletion of two nucleotides (GT) and the insertion of one nucleotide (A) at positions 574-4 and 574-5. These nucleotide positions are not well conserved in available vertebrate species. In silico splice site analysis predicts that this alteration may weaken the native splice acceptor site. Since supporting evidence is conflicting at this time, the clinical significance of this alteration remains unclear.